The following is an entry in ClinVar:

NM_000127.3(EXT1):c.1417+1G>A

Gene: EXT1 (exostosin glycosyltransferase 1; minus strand). Cytogenetic location: 8q24.11.
Variant type: single nucleotide variant.
Coding change: c.1417+1G>A on transcript NM_000127.3 (MANE Select); the canonical splice donor site of the intron after coding-DNA position 1417, G replaced by A.
Molecular consequence: splice donor variant.
Genome position (GRCh38, 1-based): chr8:117,822,464, C>T on the plus strand (G>A on the coding strand, the complement: EXT1 is on the minus strand). VCF-style: chr8-117822464-C-T. GRCh37 (hg19) VCF-style: chr8-118834703-C-T.
Identifiers: ClinVar variation 642160 (VCV000642160.10), dbSNP rs1586997796, ClinGen allele CA371887015.

ClinVar aggregate classification (germline): Pathogenic. Review status: criteria provided, multiple submitters, no conflicts (2 of 4 stars). 2 submissions from 2 submitters: Pathogenic (2). Last evaluated 2018-12-31.

Conditions:
Multiple congenital exostosis (EXT). Also called: Multiple exostoses; Hereditary multiple osteochondromas; MULTIPLE CARTILAGINOUS EXOSTOSES; Multiple osteochondromas; Hereditary multiple exostoses; Hereditary multiple exostosis. Identifiers: Orphanet 321, MedGen C0015306, MONDO:0005508, HP:0002762.
EXT1-related disorders.

Submissions (2):

Blueprint Genetics
Classification: Pathogenic for EXT1-related disorders. Last evaluated: 2018-12-31. Review status: criteria provided, single submitter. Criteria: ACMG Guidelines, 2015. Collection method: clinical testing. Allele origin: germline. Affected: yes. Observed: 1 variant allele.

Labcorp Genetics (formerly Invitae), Labcorp
Classification: Pathogenic for Multiple congenital exostosis. Last evaluated: 2018-10-08. Review status: criteria provided, single submitter. Criteria: Invitae Variant Classification Sherloc (09022015). Collection method: clinical testing. Allele origin: germline.
Comment: For these reasons, this variant has been classified as Pathogenic. Donor and acceptor splice site variants typically lead to a loss of protein function (PMID: 16199547), and loss-of-function variants in EXT1 are known to be pathogenic (PMID: 10679937, 11391482, 19810120). This variant has been observed to segregate with multiple osteochondromas in a family and is present in an additional individual affected with multiple osteochondromas (PMID: 9326317, 18165274). This variant is not present in population databases (ExAC no frequency). This sequence change affects a donor splice site in intron 5 of the EXT1 gene. It is expected to disrupt RNA splicing and likely results in an absent or disrupted protein product.

Literature cited by the submitters: PubMed 16199547 (cited by Labcorp Genetics (formerly Invitae), Labcorp); PubMed 10679937 (cited by Labcorp Genetics (formerly Invitae), Labcorp); PubMed 11391482 (cited by Labcorp Genetics (formerly Invitae), Labcorp); PubMed 19810120 (cited by Labcorp Genetics (formerly Invitae), Labcorp); PubMed 9326317 (cited by Labcorp Genetics (formerly Invitae), Labcorp); PubMed 18165274 (cited by Labcorp Genetics (formerly Invitae), Labcorp).